The following is an entry in ClinVar:

ClinVar aggregate classification (germline): Likely benign (1 of 4 stars; one submission).

Allele frequency attached by ClinVar (database versions not stated): gnomAD 0.00001; TOPMed 0.00001 and 0.00002; gnomAD exomes below 0.00001.

Submission:

GeneDx
Classification: Likely benign. Last evaluated: 2017-10-12. Review status: criteria provided, single submitter. Criteria: GeneDx Variant Classification (06012015). Collection method: clinical testing. Allele origin: germline. Affected: yes.
Comment: This variant is considered likely benign or benign based on one or more of the following criteria: it is a conservative change, it occurs at a poorly conserved position in the protein, it is predicted to be benign by multiple in silico algorithms, and/or has population frequency not consistent with disease.

NM_025233.7(COASY):c.700+20G>C

Gene: COASY (Coenzyme A synthase; plus strand). Cytogenetic location: 17q21.2.
Variant type: single nucleotide variant.
Coding change: c.700+20G>C on transcript NM_025233.7 (MANE Select); 20 bases into the intron after coding-DNA position 700, G replaced by C.
Molecular consequence: intron variant.
Genome position (GRCh38, 1-based): chr17:42,563,342, G>C. VCF-style: chr17-42563342-G-C. GRCh37 (hg19) VCF-style: chr17-40715360-G-C.
Other names: c.787+20G>C (NM_001042532.4); c.700+20G>C (NM_001042529.3).
Identifiers: ClinVar variation 512295 (VCV000512295.1), dbSNP rs1188639990, ClinGen allele CA626218667.